The following is an entry in ClinVar:

ClinVar aggregate classification (germline): Uncertain significance (1 of 4 stars; one submission).

Submission:

Labcorp Genetics (formerly Invitae), Labcorp
Classification: Uncertain significance. Last evaluated: 2024-10-22. Review status: criteria provided, single submitter. Criteria: Invitae Variant Classification Sherloc (09022015). Collection method: clinical testing. Allele origin: germline.
Comment: This sequence change replaces asparagine, which is neutral and polar, with serine, which is neutral and polar, at codon 121 of the DNM1L protein (p.Asn121Ser). This variant is not present in population databases (gnomAD no frequency). This variant has not been reported in the literature in individuals affected with DNM1L-related conditions. ClinVar contains an entry for this variant (Variation ID: 1479915). An algorithm developed to predict the effect of missense changes on protein structure and function outputs the following: PolyPhen-2: "Benign". The serine amino acid residue is found in multiple mammalian species, which suggests that this missense change does not adversely affect protein function. In summary, the available evidence is currently insufficient to determine the role of this variant in disease. Therefore, it has been classified as a Variant of Uncertain Significance.

NM_012062.5(DNM1L):c.362A>G (p.Asn121Ser)

Gene: DNM1L (dynamin 1 like; plus strand). Cytogenetic location: 12p11.21.
Variant type: single nucleotide variant.
Coding change: c.362A>G on transcript NM_012062.5 (MANE Select); coding-DNA position 362, A replaced by G.
Protein change: p.Asn121Ser; replaces asparagine 121 with serine.
Molecular consequence: missense variant. On other transcripts: intron variant (1).
Genome position (GRCh38, 1-based): chr12:32,708,217, A>G. VCF-style: chr12-32708217-A-G. GRCh37 (hg19) VCF-style: chr12-32861151-A-G.
Other names: c.362A>G, p.Asn121Ser (NM_001278463.2, NM_005690.5, NM_012063.4); c.401A>G, p.Asn134Ser (NM_001278464.2, NM_001278465.2, NM_001330380.2); c.131+804A>G (NM_001278466.2); short protein forms N121S, N134S.
Identifiers: ClinVar variation 1479915 (VCV001479915.6), dbSNP rs2137342221, ClinGen allele CA384366287.
Genomic context (GRCh38, chr12:32,708,217, plus strand): 5'-ACACGGATTTTGATGAAATTCGACAAGAAATTGAAAATGAAACAGAAAGAATTTCAGGAA[A>G]TAATAAGGTAGGCATCTTTTTAGAGCTAGAAGGCATAAGCATCAGTAAATATATAATTGA-3'
Protein context (NP_036192.2, residues 111-131): IENETERISG[Asn121Ser]NKGVSPEPIH